The following is an entry in ClinVar:

NM_001846.4(COL4A2):c.3277A>G (p.Ile1093Val)

Gene: COL4A2 (collagen type IV alpha 2 chain; plus strand). Cytogenetic location: 13q34.
Variant type: single nucleotide variant.
Coding change: c.3277A>G on transcript NM_001846.4 (MANE Select); coding-DNA position 3277, A replaced by G.
Protein change: p.Ile1093Val; replaces isoleucine 1093 with valine.
Molecular consequence: missense variant.
Genome position (GRCh38, 1-based): chr13:110,489,716, A>G. VCF-style: chr13-110489716-A-G. GRCh37 (hg19) VCF-style: chr13-111142063-A-G.
Other names: c.3277A>G (NM_001846.2); short protein forms I1093V.
Identifiers: ClinVar variation 2047140 (VCV002047140.11), dbSNP rs752903694, ClinGen allele CA7050160.

ClinVar aggregate classification (germline): Conflicting classifications of pathogenicity. Review status: criteria provided, conflicting classifications (1 of 4 stars). 4 submissions from 4 submitters: Uncertain significance (3); Likely benign (1). Last evaluated 2025-08-25.

Conditions:
Inborn genetic diseases. Identifiers: MedGen C0950123, MeSH D030342.
Brain small vessel disease 2A, autosomal dominant. Also called: Porencephaly 2. Identifiers: Orphanet 2940, Orphanet 99810, MedGen C3280970, MONDO:0013773, OMIM 614483.

Allele frequency attached by ClinVar (database versions not stated): gnomAD exomes 0.00001; ExAC 0.00002; gnomAD 0.00002; TOPMed 0.00004.
gnomAD v4.1: 26 of 1,614,116 alleles (0.0016%); highest among the groups gnomAD compares: African/African-American, 0.017%; no homozygotes.

Submissions (4):

Labcorp Genetics (formerly Invitae), Labcorp
Classification: Uncertain significance. Last evaluated: 2025-08-25. Review status: criteria provided, single submitter. Criteria: Invitae Variant Classification Sherloc (09022015). Collection method: clinical testing. Allele origin: germline.
Comment: This sequence change replaces isoleucine, which is neutral and non-polar, with valine, which is neutral and non-polar, at codon 1093 of the COL4A2 protein (p.Ile1093Val). This variant is present in population databases (rs752903694, gnomAD 0.006%). This variant has not been reported in the literature in individuals affected with COL4A2-related conditions. ClinVar contains an entry for this variant (Variation ID: 2047140). Invitae Evidence Modeling of protein sequence and biophysical properties (such as structural, functional, and spatial information, amino acid conservation, physicochemical variation, residue mobility, and thermodynamic stability) indicates that this missense variant is not expected to disrupt COL4A2 protein function with a negative predictive value of 95%. In summary, the available evidence is currently insufficient to determine the role of this variant in disease. Therefore, it has been classified as a Variant of Uncertain Significance.

Ambry Genetics
Classification: Uncertain significance for Inborn genetic diseases. Last evaluated: 2025-08-12. Review status: criteria provided, single submitter. Criteria: Ambry Variant Classification Scheme 2023. Collection method: clinical testing. Allele origin: germline.

Blueprint Genetics
Classification: Likely benign. Last evaluated: 2022-10-05. Review status: criteria provided, single submitter. Criteria: ACMG Guidelines, 2015. Collection method: clinical testing. Allele origin: germline.

Revvity Omics, Revvity
Classification: Uncertain significance for Brain small vessel disease 2A, autosomal dominant. Last evaluated: 2021-11-30. Review status: criteria provided, single submitter. Criteria: ACMG Guidelines, 2015. Collection method: clinical testing. Allele origin: germline.